The following is an entry in ClinVar:

NM_138817.3(SLC7A13):c.1372T>G (p.Leu458Val)

Gene: SLC7A13 (solute carrier family 7 member 13; minus strand). Cytogenetic location: 8q21.3.
Variant type: single nucleotide variant.
Coding change: c.1372T>G on transcript NM_138817.3 (MANE Select); coding-DNA position 1372, T replaced by G.
Protein change: p.Leu458Val; replaces leucine 458 with valine.
Molecular consequence: missense variant.
Genome position (GRCh38, 1-based): chr8:86,214,454, A>C on the plus strand (T>G on the coding strand, the complement: SLC7A13 is on the minus strand). VCF-style: chr8-86214454-A-C. GRCh37 (hg19) VCF-style: chr8-87226683-A-C.
Other names: short protein forms L458V.
Identifiers: ClinVar variation 4712485 (VCV004712485.1).

ClinVar aggregate classification (germline): Uncertain significance (1 of 4 stars; one submission).

Submission:

Labcorp Genetics (formerly Invitae), Labcorp
Classification: Uncertain significance. Last evaluated: 2025-03-31. Review status: criteria provided, single submitter. Criteria: Invitae Variant Classification Sherloc (09022015). Collection method: clinical testing. Allele origin: germline.
Comment: This sequence change replaces leucine, which is neutral and non-polar, with valine, which is neutral and non-polar, at codon 458 of the SLC7A13 protein (p.Leu458Val). This variant is not present in population databases (gnomAD no frequency). This variant has not been reported in the literature in individuals affected with SLC7A13-related conditions. An algorithm developed to predict the effect of missense changes on protein structure and function (PolyPhen-2) suggests that this variant is likely to be disruptive. In summary, the available evidence is currently insufficient to determine the role of this variant in disease. Therefore, it has been classified as a Variant of Uncertain Significance.